The following is an entry in ClinVar:

ClinVar aggregate classification (germline): Uncertain significance (1 of 4 stars; one submission).

Conditions:
Hereditary cancer-predisposing syndrome. Also called: Hereditary Cancer Syndrome; Hereditary neoplastic syndrome; Neoplastic Syndromes, Hereditary; Tumor predisposition. Identifiers: Orphanet 140162, MedGen C0027672, MeSH D009386, MONDO:0015356.

Submission:

Ambry Genetics
Classification: Uncertain significance for Hereditary cancer-predisposing syndrome. Last evaluated: 2021-12-29. Review status: criteria provided, single submitter. Criteria: Ambry Variant Classification Scheme 2023. Collection method: clinical testing. Allele origin: germline.
Comment: The p.L436R variant (also known as c.1307T>G), located in coding exon 9 of the ATM gene, results from a T to G substitution at nucleotide position 1307. The leucine at codon 436 is replaced by arginine, an amino acid with dissimilar properties. This amino acid position is conserved. In addition, the in silico prediction for this alteration is inconclusive. Since supporting evidence is limited at this time, the clinical significance of this alteration remains unclear.

NM_000051.4(ATM):c.1307T>G (p.Leu436Arg)

Gene: ATM (ATM serine/threonine kinase; plus strand). Cytogenetic location: 11q22.3.
Variant type: single nucleotide variant.
Coding change: c.1307T>G on transcript NM_000051.4 (MANE Select); coding-DNA position 1307, T replaced by G.
Protein change: p.Leu436Arg; replaces leucine 436 with arginine.
Molecular consequence: missense variant.
Genome position (GRCh38, 1-based): chr11:108,250,772, T>G. VCF-style: chr11-108250772-T-G. GRCh37 (hg19) VCF-style: chr11-108121499-T-G.
Other names: c.1307T>G, p.Leu436Arg (NM_001351834.2); short protein forms L436R.
Identifiers: ClinVar variation 1769554 (VCV001769554.2), dbSNP rs1060501608, ClinGen allele CA382533626.